The following is an entry in ClinVar:

NM_001385875.1(ZFYVE27):c.154G>A (p.Glu52Lys)

Gene: ZFYVE27 (zinc finger FYVE-type containing 27; plus strand). Cytogenetic location: 10q24.2.
Variant type: single nucleotide variant.
Coding change: c.154G>A on transcript NM_001385875.1 (MANE Select); coding-DNA position 154, G replaced by A.
Protein change: p.Glu52Lys; replaces glutamic acid 52 with lysine.
Molecular consequence: missense variant. On other transcripts: 5 prime UTR variant (13), non-coding transcript variant (17), intron variant (5).
Genome position (GRCh38, 1-based): chr10:97,738,631, G>A. VCF-style: chr10-97738631-G-A. GRCh37 (hg19) VCF-style: chr10-99498388-G-A.
Other names: c.154G>A, p.Glu52Lys (NM_001002261.4, NM_001002262.4, NM_001174119.2 and 24 more transcripts); c.-26G>A (NM_001385890.1, NM_001385893.1, NM_001385895.1 and 2 more transcripts); c.-13G>A (NM_001385899.1, NM_001385900.1, NM_001385903.1 and 4 more transcripts); c.-41G>A (NM_001385915.1); c.-8+1310G>A (NM_001385891.1, NM_001385894.1, NM_001385892.1 and 1 more transcripts); c.-27+1310G>A (NM_001174121.2); short protein forms E52K.
Identifiers: ClinVar variation 4710378 (VCV004710378.1).

ClinVar aggregate classification (germline): Uncertain significance (1 of 4 stars; one submission).

Conditions:
Spastic paraplegia. Identifiers: MedGen C0037772, HP:0001258.

Submission:

Labcorp Genetics (formerly Invitae), Labcorp
Classification: Uncertain significance for Spastic paraplegia. Last evaluated: 2025-03-20. Review status: criteria provided, single submitter. Criteria: Invitae Variant Classification Sherloc (09022015). Collection method: clinical testing. Allele origin: germline.
Comment: This sequence change replaces glutamic acid, which is acidic and polar, with lysine, which is basic and polar, at codon 52 of the ZFYVE27 protein (p.Glu52Lys). This variant is not present in population databases (gnomAD no frequency). This variant has not been reported in the literature in individuals affected with ZFYVE27-related conditions. An algorithm developed to predict the effect of missense changes on protein structure and function (PolyPhen-2) suggests that this variant is likely to be disruptive. In summary, the available evidence is currently insufficient to determine the role of this variant in disease. Therefore, it has been classified as a Variant of Uncertain Significance.